The following is an entry in ClinVar:

NM_000088.4(COL1A1):c.2466A>G (p.Gln822=)

Gene: COL1A1 (collagen type I alpha 1 chain; minus strand). Cytogenetic location: 17q21.33.
Variant type: single nucleotide variant.
Coding change: c.2466A>G on transcript NM_000088.4 (MANE Select); coding-DNA position 2466, A replaced by G.
Protein change: p.Gln822=; no amino-acid change (glutamine 822 retained).
Molecular consequence: synonymous variant.
Genome position (GRCh38, 1-based): chr17:50,190,094, T>C on the plus strand (A>G on the coding strand, the complement: COL1A1 is on the minus strand). VCF-style: chr17-50190094-T-C. GRCh37 (hg19) VCF-style: chr17-48267455-T-C.
Identifiers: ClinVar variation 514257 (VCV000514257.12), dbSNP rs551706871, ClinGen allele CA8644789.

ClinVar aggregate classification (germline): Benign/Likely benign. Review status: criteria provided, multiple submitters, no conflicts (2 of 4 stars). 3 submissions from 3 submitters: Benign (1); Likely benign (2). Last evaluated 2025-06-10.

Conditions:
Cardiovascular phenotype. Identifiers: MedGen CN230736.
Osteogenesis imperfecta type I (OI1). Also called: Classic Non-deforming Osteogenesis Imperfecta with Blue Sclerae; Osteogenesis imperfecta type 1; Lobstein disease; OI, TYPE I; OSTEOGENESIS IMPERFECTA TARDA; OSTEOGENESIS IMPERFECTA WITH BLUE SCLERAE. Identifiers: Orphanet 216796, Orphanet 666, MedGen C0023931, MONDO:0008146, OMIM 166200. Disease mechanism: loss of function.

Allele frequency attached by ClinVar (database versions not stated): gnomAD exomes 0.00001 and 0.00005; ExAC 0.00005; TOPMed 0.00018; gnomAD 0.00019; 1000 Genomes Project 30x 0.00047; 1000 Genomes Project 0.00060.
gnomAD v4.1: 49 of 1,612,714 alleles (0.003%); highest among the groups gnomAD compares: African/African-American, 0.062%; no homozygotes.

Submissions (3):

Labcorp Genetics (formerly Invitae), Labcorp
Classification: Benign for Osteogenesis imperfecta type I. Last evaluated: 2025-06-10. Review status: criteria provided, single submitter. Criteria: Invitae Variant Classification Sherloc (09022015). Collection method: clinical testing. Allele origin: germline.

Ambry Genetics
Classification: Likely benign for Cardiovascular phenotype. Last evaluated: 2020-11-16. Review status: criteria provided, single submitter. Criteria: Ambry Variant Classification Scheme 2023. Collection method: clinical testing. Allele origin: germline.

GeneDx
Classification: Likely benign. Last evaluated: 2017-12-28. Review status: criteria provided, single submitter. Criteria: GeneDx Variant Classification (06012015). Collection method: clinical testing. Allele origin: germline. Affected: yes.
Comment: This variant is considered likely benign or benign based on one or more of the following criteria: it is a conservative change, it occurs at a poorly conserved position in the protein, it is predicted to be benign by multiple in silico algorithms, and/or has population frequency not consistent with disease.